The following is an entry in ClinVar:

ClinVar aggregate classification (germline): Uncertain significance (1 of 4 stars; one submission).

Conditions:
Autosomal recessive limb-girdle muscular dystrophy type 2J (LGMDR10). Also called: Limb-girdle muscular dystrophy, type 2J; MUSCULAR DYSTROPHY, LIMB-GIRDLE, AUTOSOMAL RECESSIVE 10. Identifiers: Orphanet 140922, MedGen C1837342, MONDO:0012127, OMIM 608807.
Dilated cardiomyopathy 1G (CMD1G). Identifiers: Orphanet 154, MedGen C1858763, MONDO:0011400, OMIM 604145.

Allele frequency attached by ClinVar (database versions not stated): TOPMed below 0.00001; gnomAD 0.00001.
gnomAD v4.1: 2 of 1,613,700 alleles (0.00012%); highest among the groups gnomAD compares: East Asian, 0.0045%; no homozygotes.

Submission:

Labcorp Genetics (formerly Invitae), Labcorp
Classification: Uncertain significance for Dilated cardiomyopathy 1G; Autosomal recessive limb-girdle muscular dystrophy type 2J. Last evaluated: 2024-09-05. Review status: criteria provided, single submitter. Criteria: Invitae Variant Classification Sherloc (09022015). Collection method: clinical testing. Allele origin: germline.
Comment: This sequence change replaces phenylalanine, which is neutral and non-polar, with leucine, which is neutral and non-polar, at codon 35291 of the TTN protein (p.Phe35291Leu). This variant is not present in population databases (gnomAD no frequency). This variant has not been reported in the literature in individuals affected with TTN-related conditions. ClinVar contains an entry for this variant (Variation ID: 661371). Experimental studies and prediction algorithms are not available or were not evaluated, and the functional significance of this variant is currently unknown. This variant is located in the M band of TTN (PMID: 25589632). Non-truncating variants in this region may be relevant for neuromuscular disorders, but have not been definitively shown to cause cardiomyopathy (PMID: 23975875). In summary, the available evidence is currently insufficient to determine the role of this variant in disease. Therefore, it has been classified as a Variant of Uncertain Significance.

Literature cited by the submitters: PubMed 25589632; PubMed 23975875.

NM_001267550.2(TTN):c.105873C>A (p.Phe35291Leu)

Genes: TTN (titin; minus strand), TTN-AS1 (TTN antisense RNA 1; plus strand), LOC129935183 (ATAC-STARR-seq lymphoblastoid active region 16808; plus strand). Cytogenetic location: 2q31.2.
Variant type: single nucleotide variant.
Coding change: c.105873C>A on transcript NM_001267550.2 (MANE Select); coding-DNA position 105873, C replaced by A.
Protein change: p.Phe35291Leu; replaces phenylalanine 35291 with leucine.
Molecular consequence: missense variant.
Genome position (GRCh38, 1-based): chr2:178,530,742, G>T on the plus strand (C>A on the coding strand, the complement: TTN is on the minus strand). VCF-style: chr2-178530742-G-T. GRCh37 (hg19) VCF-style: chr2-179395469-G-T.
Other names: c.100950C>A, p.Phe33650Leu (NM_001256850.1); c.78678C>A, p.Phe26226Leu (NM_003319.4); c.98169C>A, p.Phe32723Leu (NM_133378.4); c.79053C>A, p.Phe26351Leu (NM_133432.3); c.79254C>A, p.Phe26418Leu (NM_133437.4); short protein forms F26351L, F35291L, F26418L, F33650L, F26226L, F32723L.
Identifiers: ClinVar variation 661371 (VCV000661371.7), dbSNP rs1183014419, ClinGen allele CA349407565.
Genomic context (GRCh38, chr2:178,530,742, plus strand): 5'-TACACTGCTTTCAACCACACAGGTCAGTTTTGCAATCTCTTTAGAAGCTTCTGCTTTCAG[G>T]AACTGAGTAATCTTTGGTGGGGCAGAGACTGGGAGGTGCTGAACTTTCTCTGTTGGTGTT-3'
Protein context (NP_001254479.2, residues 35281-35301): PVSAPPKITQ[Phe35291Leu]LKAEASKEIA